The following is an entry in ClinVar:

ClinVar aggregate classification (germline): Pathogenic (0 of 4 stars; one submission).

Submission:

GenMed Metabolism Lab
Classification: Pathogenic. Review status: no assertion criteria provided. Collection method: not provided. Allele origin: unknown.
Comment: p.Glu181Gly, Neonatal
ClinVar note: Converted during submission from pathogenic to Pathogenic.

NM_000531.6(OTC):c.542A>G (p.Glu181Gly)

Gene: OTC (ornithine transcarbamylase; plus strand). Cytogenetic location: Xp11.4.
Variant type: single nucleotide variant.
Coding change: c.542A>G on transcript NM_000531.6 (MANE Select); coding-DNA position 542, A replaced by G.
Protein change: p.Glu181Gly; replaces glutamic acid 181 with glycine.
Molecular consequence: missense variant.
Genome position (GRCh38, 1-based): chrX:38,403,619, A>G. VCF-style: chrX-38403619-A-G. GRCh37 (hg19) VCF-style: chrX-38262872-A-G.
Other names: short protein forms E181G.
Identifiers: ClinVar variation 97244 (VCV000097244.2), dbSNP rs72556290, ClinGen allele CA224676.
Genomic context (GRCh38, chrX:38,403,619, plus strand): 5'-TTGCTACACATAAGCGAATTTACGCCTGGATTTCATCTCCTTCATCCCGTGCCTTTTAGG[A>G]ACACTATAGCTCTCTGAAAGGTCTTACCCTCAGCTGGATCGGGGATGGGAACAATATCCT-3'
Protein context (NP_000522.3, residues 171-191): QILADYLTLQ[Glu181Gly]HYSSLKGLTL